The following is an entry in ClinVar:

ClinVar aggregate classification (germline): Benign (1 of 4 stars; one submission).

Allele frequency attached by ClinVar (database versions not stated): 1000 Genomes Project 0.22025; 1000 Genomes Project 30x 0.22377.

Submission:

GeneDx
Classification: Benign. Last evaluated: 2018-06-14. Review status: criteria provided, single submitter. Criteria: GeneDx Variant Classification (06012015). Collection method: clinical testing. Allele origin: germline. Affected: yes.
Comment: This variant is considered likely benign or benign based on one or more of the following criteria: it is a conservative change, it occurs at a poorly conserved position in the protein, it is predicted to be benign by multiple in silico algorithms, and/or has population frequency not consistent with disease.

NM_001370595.2(COA8):c.476+162G>C

Gene: COA8 (cytochrome c oxidase assembly factor 8; plus strand). Cytogenetic location: 14q32.33.
Variant type: single nucleotide variant.
Coding change: c.476+162G>C on transcript NM_001370595.2 (MANE Select); 162 bases into the intron after coding-DNA position 476, G replaced by C.
Molecular consequence: intron variant.
Genome position (GRCh38, 1-based): chr14:103,587,526, G>C. VCF-style: chr14-103587526-G-C. GRCh37 (hg19) VCF-style: chr14-104053863-G-C.
Other names: c.515+162G>C (NM_032374.4); c.*30+162G>C (NM_001302653.2).
Identifiers: ClinVar variation 683282 (VCV000683282.1), dbSNP rs28514618, ClinGen allele CA14071890.